The following is an entry in ClinVar:

ClinVar aggregate classification (germline): Benign/Likely benign. Review status: criteria provided, multiple submitters, no conflicts (2 of 4 stars). 3 submissions from 3 submitters: Benign (1); Likely benign (2). Last evaluated 2025-11-01.

Allele frequency attached by ClinVar (database versions not stated): 1000 Genomes Project 30x 0.00078; 1000 Genomes Project 0.00100; TOPMed 0.00148; ESP Exome Variant Server 0.00191; gnomAD 0.00245 and 0.00255; gnomAD exomes 0.00270 and 0.00344; ExAC 0.00289.
gnomAD v4.1: 5,342 of 1,612,534 alleles (0.33%); highest among the groups gnomAD compares: Non-Finnish European, 0.35%; 13 homozygotes.

Submissions (3):

CeGaT Center for Human Genetics Tuebingen
Classification: Likely benign. Last evaluated: 2025-11-01. Review status: criteria provided, single submitter. Criteria: CeGaT Center For Human Genetics Tuebingen Variant Classification Criteria Version 2. Collection method: clinical testing. Allele origin: germline. Affected: yes. Observed: 4 variant alleles.
Comment: INTS1: BS2

Blueprint Genetics
Classification: Likely benign. Last evaluated: 2024-11-07. Review status: criteria provided, single submitter. Criteria: ACMG Guidelines, 2015. Collection method: clinical testing. Allele origin: germline.

Labcorp Genetics (formerly Invitae), Labcorp
Classification: Benign. Last evaluated: 2019-12-31. Review status: criteria provided, single submitter. Criteria: Invitae Variant Classification Sherloc (09022015). Collection method: clinical testing. Allele origin: germline.

NM_001080453.3(INTS1):c.3950A>G (p.Asp1317Gly)

Gene: INTS1 (integrator complex subunit 1; minus strand). Cytogenetic location: 7p22.3.
Variant type: single nucleotide variant.
Coding change: c.3950A>G on transcript NM_001080453.3 (MANE Select); coding-DNA position 3950, A replaced by G.
Protein change: p.Asp1317Gly; replaces aspartic acid 1317 with glycine.
Molecular consequence: missense variant.
Genome position (GRCh38, 1-based): chr7:1,480,441, T>C on the plus strand (A>G on the coding strand, the complement: INTS1 is on the minus strand). VCF-style: chr7-1480441-T-C. GRCh37 (hg19) VCF-style: chr7-1520077-T-C.
Other names: short protein forms D1317G.
Identifiers: ClinVar variation 770732 (VCV000770732.30), dbSNP rs187845066, ClinGen allele CA4119020.